The following is an entry in ClinVar:

ClinVar aggregate classification (germline): Uncertain significance (1 of 4 stars; one submission).

Submission:

Labcorp Genetics (formerly Invitae), Labcorp
Classification: Uncertain significance. Last evaluated: 2025-04-17. Review status: criteria provided, single submitter. Criteria: Invitae Variant Classification Sherloc (09022015). Collection method: clinical testing. Allele origin: germline.
Comment: This sequence change replaces glycine, which is neutral and non-polar, with aspartic acid, which is acidic and polar, at codon 77 of the NOG protein (p.Gly77Asp). This variant is not present in population databases (gnomAD no frequency). This variant has not been reported in the literature in individuals affected with NOG-related conditions. An algorithm developed to predict the effect of missense changes on protein structure and function (PolyPhen-2) suggests that this variant is likely to be tolerated. In summary, the available evidence is currently insufficient to determine the role of this variant in disease. Therefore, it has been classified as a Variant of Uncertain Significance.

NM_005450.6(NOG):c.230G>A (p.Gly77Asp)

Gene: NOG (noggin; plus strand). Cytogenetic location: 17q22.
Variant type: single nucleotide variant.
Coding change: c.230G>A on transcript NM_005450.6 (MANE Select); coding-DNA position 230, G replaced by A.
Protein change: p.Gly77Asp; replaces glycine 77 with aspartic acid.
Molecular consequence: missense variant.
Genome position (GRCh38, 1-based): chr17:56,594,453, G>A. VCF-style: chr17-56594453-G-A. GRCh37 (hg19) VCF-style: chr17-54671814-G-A.
Other names: short protein forms G77D.
Identifiers: ClinVar variation 4717690 (VCV004717690.1).
Genomic context (GRCh38, chr17:56,594,453, plus strand): 5'-AGGAAAAGGATCTGAACGAGACGCTGCTGCGCTCGCTGCTCGGGGGCCACTACGACCCAG[G>A]CTTCATGGCCACCTCGCCCCCCGAGGACCGGCCCGGCGGGGGCGGGGGTGCAGCTGGGGG-3'
Protein context (NP_005441.1, residues 67-87): RSLLGGHYDP[Gly77Asp]FMATSPPEDR